The following is an entry in ClinVar:

ClinVar aggregate classification (germline): Likely benign (1 of 4 stars; one submission).

Allele frequency attached by ClinVar (database versions not stated): gnomAD exomes below 0.00001; TOPMed below 0.00001; gnomAD 0.00001.
gnomAD v4.1: 11 of 1,614,060 alleles (0.00068%); highest among the groups gnomAD compares: Middle Eastern, 0.016%; no homozygotes.

Submission:

CeGaT Center for Human Genetics Tuebingen
Classification: Likely benign. Last evaluated: 2023-08-01. Review status: criteria provided, single submitter. Criteria: CeGaT Center For Human Genetics Tuebingen Variant Classification Criteria Version 2. Collection method: clinical testing. Allele origin: germline. Affected: yes. Observed: 1 variant allele.
Comment: STIL: BP4, BP7

NM_001048166.1(STIL):c.2793A>G (p.Gln931=)

Gene: STIL (STIL centriolar assembly protein; minus strand). Cytogenetic location: 1p33.
Variant type: single nucleotide variant.
Coding change: c.2793A>G on transcript NM_001048166.1 (MANE Select); coding-DNA position 2793, A replaced by G.
Protein change: p.Gln931=; no amino-acid change (glutamine 931 retained).
Molecular consequence: synonymous variant.
Genome position (GRCh38, 1-based): chr1:47,262,939, T>C on the plus strand (A>G on the coding strand, the complement: STIL is on the minus strand). VCF-style: chr1-47262939-T-C. GRCh37 (hg19) VCF-style: chr1-47728611-T-C.
Other names: c.2790A>G, p.Gln930= (NM_001282936.1, NM_003035.2); c.2739A>G, p.Gln913= (NM_001282937.1); c.2652A>G, p.Gln884= (NM_001282938.1, NM_001377417.1); c.2598A>G, p.Gln866= (NM_001282939.1).
Identifiers: ClinVar variation 2638805 (VCV002638805.24), dbSNP rs1282514737, ClinGen allele CA417772659.